The following is an entry in ClinVar:

NM_005157.6(ABL1):c.1894G>A (p.Gly632Arg)

Gene: ABL1 (ABL proto-oncogene 1, non-receptor tyrosine kinase; plus strand). Cytogenetic location: 9q34.12.
Variant type: single nucleotide variant.
Coding change: c.1894G>A on transcript NM_005157.6 (MANE Select); coding-DNA position 1894, G replaced by A.
Protein change: p.Gly632Arg; replaces glycine 632 with arginine.
Molecular consequence: missense variant.
Genome position (GRCh38, 1-based): chr9:130,884,184, G>A. VCF-style: chr9-130884184-G-A. GRCh37 (hg19) VCF-style: chr9-133759571-G-A.
Other names: c.1951G>A, p.Gly651Arg (NM_007313.3); short protein forms G651R, G632R.
Identifiers: ClinVar variation 2801783 (VCV002801783.3), dbSNP rs1355668042, ClinGen allele CA375254100.

ClinVar aggregate classification (germline): Uncertain significance (1 of 4 stars; one submission).

Allele frequency attached by ClinVar (database versions not stated): gnomAD exomes below 0.00001; TOPMed below 0.00001; gnomAD 0.00001.
gnomAD v4.1: 2 of 1,612,506 alleles (0.00012%); highest among the groups gnomAD compares: Non-Finnish European, 0.00017%; no homozygotes.

Submission:

Labcorp Genetics (formerly Invitae), Labcorp
Classification: Uncertain significance. Last evaluated: 2023-03-17. Review status: criteria provided, single submitter. Criteria: Invitae Variant Classification Sherloc (09022015). Collection method: clinical testing. Allele origin: germline.
Comment: In summary, the available evidence is currently insufficient to determine the role of this variant in disease. Therefore, it has been classified as a Variant of Uncertain Significance. Advanced modeling of protein sequence and biophysical properties (such as structural, functional, and spatial information, amino acid conservation, physicochemical variation, residue mobility, and thermodynamic stability) performed at Invitae indicates that this missense variant is not expected to disrupt ABL1 protein function. This variant has not been reported in the literature in individuals affected with ABL1-related conditions. This variant is not present in population databases (gnomAD no frequency). This sequence change replaces glycine, which is neutral and non-polar, with arginine, which is basic and polar, at codon 651 of the ABL1 protein (p.Gly651Arg).